The following is an entry in ClinVar:

ClinVar aggregate classification (germline): Uncertain significance (1 of 4 stars; one submission).

Allele frequency attached by ClinVar (database versions not stated): ExAC 0.00002; gnomAD 0.00002; TOPMed 0.00002.
gnomAD v4.1: 13 of 1,609,586 alleles (0.00081%); highest among the groups gnomAD compares: African/African-American, 0.0027%; no homozygotes.

Submission:

Labcorp Genetics (formerly Invitae), Labcorp
Classification: Uncertain significance. Last evaluated: 2025-03-16. Review status: criteria provided, single submitter. Criteria: Invitae Variant Classification Sherloc (09022015). Collection method: clinical testing. Allele origin: germline.
Comment: This sequence change replaces aspartic acid, which is acidic and polar, with asparagine, which is neutral and polar, at codon 1137 of the AP3D1 protein (p.Asp1137Asn). This variant is present in population databases (rs747829026, gnomAD 0.01%). This variant has not been reported in the literature in individuals affected with AP3D1-related conditions. ClinVar contains an entry for this variant (Variation ID: 2186496). An algorithm developed to predict the effect of missense changes on protein structure and function (PolyPhen-2) suggests that this variant is likely to be tolerated. In summary, the available evidence is currently insufficient to determine the role of this variant in disease. Therefore, it has been classified as a Variant of Uncertain Significance.

NM_001261826.3(AP3D1):c.3409G>A (p.Asp1137Asn)

Gene: AP3D1 (adaptor related protein complex 3 subunit delta 1; minus strand). Cytogenetic location: 19p13.3.
Variant type: single nucleotide variant.
Coding change: c.3409G>A on transcript NM_001261826.3 (MANE Select); coding-DNA position 3409, G replaced by A.
Protein change: p.Asp1137Asn; replaces aspartic acid 1137 with asparagine.
Molecular consequence: missense variant.
Genome position (GRCh38, 1-based): chr19:2,109,149, C>T on the plus strand (G>A on the coding strand, the complement: AP3D1 is on the minus strand). VCF-style: chr19-2109149-C-T. GRCh37 (hg19) VCF-style: chr19-2109148-C-T.
Other names: c.3373G>A, p.Asp1125Asn (NM_001374799.1); c.3223G>A, p.Asp1075Asn (NM_003938.8); short protein forms D1075N, D1137N, D1125N.
Identifiers: ClinVar variation 2186496 (VCV002186496.4), dbSNP rs747829026, ClinGen allele CA9058398.
Genomic context (GRCh38, chr19:2,109,149, plus strand): 5'-AAAAATGGTGGTGAAAACAGATCTTCGCCAGAAGATTCTGGAAGGACATCCGAATGCCAT[C>T]GACTTTGATTGAGCTCATGCTCAAGTCCCCAGACTCCAGCAACTTAGCAAAGGCGTCACT-3'
Protein context (NP_001248755.1, residues 1127-1147): GDLSMSSIKV[Asp1137Asn]GIRMSFQNLL